The following is an entry in ClinVar:

ClinVar aggregate classification (germline): Pathogenic (0 of 4 stars; one submission).

Conditions:
Fanconi anemia complementation group A (FANCA). Also called: Fanconi anemia, group A; FANCA-Related Fanconi Anemia. Identifiers: Orphanet 84, MedGen C3469521, MONDO:0009215, OMIM 227650.

Submission:

Leiden Open Variation Database
Classification: Pathogenic for Fanconi anemia complementation group A. Last evaluated: 2020-02-28. Review status: no assertion criteria provided. Collection method: curation. Allele origin: germline. Affected: yes.
Comment: Curator: Arleen D. Auerbach. Submitters to LOVD: Arleen D. Auerbach, Sue Richards.

NC_000016.10:g.(89805393_89808293)_(89816657_?)del

Gene: FANCA (FA complementation group A; minus strand). Cytogenetic location: 16q24.3.
Variant type: Deletion.
Identifiers: ClinVar variation 974079 (VCV000974079.1).